The following is an entry in ClinVar:

ClinVar aggregate classification (germline): Conflicting classifications of pathogenicity. Review status: criteria provided, conflicting classifications (1 of 4 stars). 4 submissions from 4 submitters: Uncertain significance (3); Likely benign (1). Last evaluated 2025-10-29.

Conditions:
Familial thoracic aortic aneurysm and aortic dissection (TAAD). Also called: Thoracic aortic aneurysms and dissections. Identifiers: Orphanet 91387, MedGen C4707243, MONDO:0019625.
Congenital contractural arachnodactyly (CCA). Also called: Beals-Hecht syndrome; BEALS SYNDROME; Arthrogryposis, distal, type 9. Identifiers: Orphanet 115, MedGen C0220668, MONDO:0007363, OMIM 121050.

Allele frequency attached by ClinVar (database versions not stated): TOPMed 0.00005; ExAC 0.00004; gnomAD 0.00004; gnomAD exomes 0.00004.
gnomAD v4.1: 64 of 1,614,112 alleles (0.004%); highest among the groups gnomAD compares: Non-Finnish European, 0.0048%; no homozygotes.

Submissions (4):

Labcorp Genetics (formerly Invitae), Labcorp
Classification: Likely benign for Congenital contractural arachnodactyly. Last evaluated: 2025-10-29. Review status: criteria provided, single submitter. Criteria: Invitae Variant Classification Sherloc (09022015). Collection method: clinical testing. Allele origin: germline.

Ambry Genetics
Classification: Uncertain significance for Familial thoracic aortic aneurysm and aortic dissection. Last evaluated: 2025-07-18. Review status: criteria provided, single submitter. Criteria: Ambry Variant Classification Scheme 2023. Collection method: clinical testing. Allele origin: germline.
Comment: The p.S1269G variant (also known as c.3805A>G), located in coding exon 29 of the FBN2 gene, results from an A to G substitution at nucleotide position 3805. The serine at codon 1269 is replaced by glycine, an amino acid with similar properties. This amino acid position is not well conserved in available vertebrate species. In addition, this alteration is predicted to be tolerated by in silico analysis. Based on the available evidence, the clinical significance of this variant remains unclear.

GeneDx
Classification: Uncertain significance. Last evaluated: 2024-01-08. Review status: criteria provided, single submitter. Criteria: GeneDx Variant Classification Process June 2021. Collection method: clinical testing. Allele origin: germline. Affected: yes.
Comment: In silico analysis supports that this missense variant does not alter protein structure/function; Although located in a calcium-binding EGF-like domain of the FBN2 gene, it does not substitute or introduce a cysteine residue (PMID: 19006240, 18767143); Has not been previously published as pathogenic or benign to our knowledge; This variant is associated with the following publications: (PMID: 19006240, 18767143)

Mayo Clinic Laboratories, Mayo Clinic
Classification: Uncertain significance. Last evaluated: 2019-06-01. Review status: criteria provided, single submitter. Criteria: ACMG Guidelines, 2015. Collection method: clinical testing. Allele origin: germline. Observed: 1 variant allele.

NM_001999.4(FBN2):c.3805A>G (p.Ser1269Gly)

Gene: FBN2 (fibrillin 2; minus strand). Cytogenetic location: 5q23.3.
Variant type: single nucleotide variant.
Coding change: c.3805A>G on transcript NM_001999.4 (MANE Select); coding-DNA position 3805, A replaced by G.
Protein change: p.Ser1269Gly; replaces serine 1269 with glycine.
Molecular consequence: missense variant.
Genome position (GRCh38, 1-based): chr5:128,335,497, T>C on the plus strand (A>G on the coding strand, the complement: FBN2 is on the minus strand). VCF-style: chr5-128335497-T-C. GRCh37 (hg19) VCF-style: chr5-127671189-T-C.
Other names: short protein forms S1269G.
Identifiers: ClinVar variation 213401 (VCV000213401.21), dbSNP rs765649978, ClinGen allele CA322231.